The following is an entry in ClinVar:

ClinVar aggregate classification (germline): Uncertain significance (1 of 4 stars; one submission).

gnomAD v4.1: 1 of 1,614,074 alleles (0.000062%); no homozygotes.

Submission:

Labcorp Genetics (formerly Invitae), Labcorp
Classification: Uncertain significance. Last evaluated: 2024-05-16. Review status: criteria provided, single submitter. Criteria: Invitae Variant Classification Sherloc (09022015). Collection method: clinical testing. Allele origin: germline.
Comment: This sequence change replaces lysine, which is basic and polar, with arginine, which is basic and polar, at codon 483 of the ARIH1 protein (p.Lys483Arg). This variant is not present in population databases (gnomAD no frequency). This variant has not been reported in the literature in individuals affected with ARIH1-related conditions. Algorithms developed to predict the effect of missense changes on protein structure and function output the following: SIFT: "Not Available"; PolyPhen-2: "Benign"; Align-GVGD: "Not Available". The arginine amino acid residue is found in multiple mammalian species, which suggests that this missense change does not adversely affect protein function. In summary, the available evidence is currently insufficient to determine the role of this variant in disease. Therefore, it has been classified as a Variant of Uncertain Significance.

NM_005744.5(ARIH1):c.1448A>G (p.Lys483Arg)

Gene: ARIH1 (ariadne RBR E3 ubiquitin protein ligase 1; plus strand). Cytogenetic location: 15q24.1.
Variant type: single nucleotide variant.
Coding change: c.1448A>G on transcript NM_005744.5 (MANE Select); coding-DNA position 1448, A replaced by G.
Protein change: p.Lys483Arg; replaces lysine 483 with arginine.
Molecular consequence: missense variant.
Genome position (GRCh38, 1-based): chr15:72,580,963, A>G. VCF-style: chr15-72580963-A-G. GRCh37 (hg19) VCF-style: chr15-72873304-A-G.
Other names: short protein forms K483R.
Identifiers: ClinVar variation 3616802 (VCV003616802.2).
Genomic context (GRCh38, chr15:72,580,963, plus strand): 5'-ATGTCCTCTGCCAGTGTCGTGCCACACTCATGTACACTTATGTCTTCGCTTTCTACCTCA[A>G]AAAGAATAACCAGTCCATTATCTTTGAGGTAGGAGTAGTTCTGGGTGAGGAAAAAGCCCA-3'
Protein context (NP_005735.2, residues 473-493): MYTYVFAFYL[Lys483Arg]KNNQSIIFEN